The following is an entry in ClinVar:

ClinVar aggregate classification (germline): Uncertain significance (1 of 4 stars; one submission).

Allele frequency attached by ClinVar (database versions not stated): ExAC 0.00001.
gnomAD v4.1: 3 of 1,614,104 alleles (0.00019%); highest among the groups gnomAD compares: Non-Finnish European, 0.00025%; no homozygotes.

Submission:

Ambry Genetics
Classification: Uncertain significance. Last evaluated: 2022-10-27. Review status: criteria provided, single submitter. Criteria: Ambry Variant Classification Scheme 2023. Collection method: clinical testing. Allele origin: germline.
Comment: The p.P418A variant (also known as c.1252C>G), located in coding exon 12 of the RAD54L gene, results from a C to G substitution at nucleotide position 1252. The proline at codon 418 is replaced by alanine, an amino acid with highly similar properties. This amino acid position is conserved. In addition, this alteration is predicted to be tolerated by in silico analysis. Since supporting evidence is limited at this time, the clinical significance of this alteration remains unclear.

NM_003579.4(RAD54L):c.1252C>G (p.Pro418Ala)

Gene: RAD54L (RAD54 like; plus strand). Cytogenetic location: 1p34.1.
Variant type: single nucleotide variant.
Coding change: c.1252C>G on transcript NM_003579.4 (MANE Select); coding-DNA position 1252, C replaced by G.
Protein change: p.Pro418Ala; replaces proline 418 with alanine.
Molecular consequence: missense variant.
Genome position (GRCh38, 1-based): chr1:46,272,679, C>G. VCF-style: chr1-46272679-C-G. GRCh37 (hg19) VCF-style: chr1-46738351-C-G.
Other names: c.1252C>G, p.Pro418Ala (NM_001142548.2); c.712C>G, p.Pro238Ala (NM_001370766.1); short protein forms P238A, P418A.
Identifiers: ClinVar variation 1761010 (VCV001761010.2), dbSNP rs752931468, ClinGen allele CA834557.